The following is an entry in ClinVar:

ClinVar aggregate classification (germline): Benign (1 of 4 stars; one submission).

Allele frequency attached by ClinVar (database versions not stated): 1000 Genomes Project 0.17252; 1000 Genomes Project 30x 0.17317; TOPMed 0.22814; gnomAD 0.23514 and 0.24126.
gnomAD v4.1: 35,703 of 152,016 alleles (23%); highest among the groups gnomAD compares: African/African-American, 27%; 4,436 homozygotes.

Submission:

GeneDx
Classification: Benign. Last evaluated: 2018-06-18. Review status: criteria provided, single submitter. Criteria: GeneDx Variant Classification (06012015). Collection method: clinical testing. Allele origin: germline. Affected: yes.
Comment: This variant is considered likely benign or benign based on one or more of the following criteria: it is a conservative change, it occurs at a poorly conserved position in the protein, it is predicted to be benign by multiple in silico algorithms, and/or has population frequency not consistent with disease.

NM_000264.5(PTCH1):c.1847+187C>T

Genes: PTCH1 (patched 1; minus strand), LOC100507346 (uncharacterized LOC100507346; plus strand). Cytogenetic location: 9q22.32.
Variant type: single nucleotide variant.
Coding change: c.1847+187C>T on transcript NM_000264.5 (MANE Select); 187 bases into the intron after coding-DNA position 1847, C replaced by T.
Molecular consequence: intron variant. On other transcripts: non-coding transcript variant (1).
Genome position (GRCh38, 1-based): chr9:95,469,626, G>A on the plus strand (C>T on the coding strand, the complement: PTCH1 is on the minus strand). VCF-style: chr9-95469626-G-A. GRCh37 (hg19) VCF-style: chr9-98231908-G-A.
Other names: c.1844+187C>T (NM_001083603.3); c.1649+187C>T (NM_001083602.3); c.1691+187C>T (NM_001354918.2); c.1394+187C>T (NM_001083605.3, NM_001083604.3, NM_001083606.3 and 1 more transcripts).
Identifiers: ClinVar variation 677045 (VCV000677045.1), dbSNP rs28702657, ClinGen allele CA12964328.